The following is an entry in ClinVar:

NM_001040108.2(MLH3):c.3430G>A (p.Glu1144Lys)

Gene: MLH3 (mutL homolog 3; minus strand). Cytogenetic location: 14q24.3.
Variant type: single nucleotide variant.
Coding change: c.3430G>A on transcript NM_001040108.2 (MANE Select); coding-DNA position 3430, G replaced by A.
Protein change: p.Glu1144Lys; replaces glutamic acid 1144 with lysine.
Molecular consequence: missense variant.
Genome position (GRCh38, 1-based): chr14:75,041,650, C>T on the plus strand (G>A on the coding strand, the complement: MLH3 is on the minus strand). VCF-style: chr14-75041650-C-T. GRCh37 (hg19) VCF-style: chr14-75508353-C-T.
Other names: c.3430G>A, p.Glu1144Lys (NM_014381.3); short protein forms E1144K.
Identifiers: ClinVar variation 2563523 (VCV002563523.2), dbSNP rs2139493750, ClinGen allele CA390430709.
Genomic context (GRCh38, chr14:75,041,650, plus strand): 5'-CAAAGAAAAACTGCTACAGACCCACCTCTGGATAACGGGCAAATACTGGATTGTCCCATT[C>T]TGAGAACAAAGACTGAAGCGATTCGCTACTAACAGTATCATCCACAGTATCTAGGGCAAA-3'
Protein context (NP_001035197.1, residues 1134-1154): SSESLQSLFS[Glu1144Lys]WDNPVFARYP

ClinVar aggregate classification (germline): Uncertain significance (1 of 4 stars; one submission).

Submission:

Ambry Genetics
Classification: Uncertain significance. Last evaluated: 2023-03-19. Review status: criteria provided, single submitter. Criteria: Ambry Variant Classification Scheme 2023. Collection method: clinical testing. Allele origin: germline.
Comment: The p.E1144K variant (also known as c.3430G>A), located in coding exon 3 of the MLH3 gene, results from a G to A substitution at nucleotide position 3430. The glutamic acid at codon 1144 is replaced by lysine, an amino acid with similar properties. This amino acid position is conserved. In addition, the in silico prediction for this alteration is inconclusive. Since supporting evidence is limited at this time, the clinical significance of this alteration remains unclear.